The following is an entry in ClinVar:

ClinVar aggregate classification (germline): Uncertain significance (1 of 4 stars; one submission).

Conditions:
Aicardi-Goutieres syndrome 5. Identifiers: Orphanet 51, MedGen C2749659, MONDO:0013059, OMIM 612952.

Allele frequency attached by ClinVar (database versions not stated): TOPMed below 0.00001; ExAC 0.00001.

Submission:

Labcorp Genetics (formerly Invitae), Labcorp
Classification: Uncertain significance for Aicardi-Goutieres syndrome 5. Last evaluated: 2022-03-19. Review status: criteria provided, single submitter. Criteria: Invitae Variant Classification Sherloc (09022015). Collection method: clinical testing. Allele origin: germline.
Comment: This sequence change replaces histidine, which is basic and polar, with proline, which is neutral and non-polar, at codon 215 of the SAMHD1 protein (p.His215Pro). This variant is present in population databases (rs772029258, gnomAD 0.0009%). This variant has not been reported in the literature in individuals affected with SAMHD1-related conditions. Algorithms developed to predict the effect of missense changes on protein structure and function are either unavailable or do not agree on the potential impact of this missense change (SIFT: "Deleterious"; PolyPhen-2: "Probably Damaging"; Align-GVGD: "Class C0"). In summary, the available evidence is currently insufficient to determine the role of this variant in disease. Therefore, it has been classified as a Variant of Uncertain Significance.

NM_015474.4(SAMHD1):c.644A>C (p.His215Pro)

Gene: SAMHD1 (SAM and HD domain containing deoxynucleoside triphosphate triphosphohydrolase 1; minus strand). Cytogenetic location: 20q11.23.
Variant type: single nucleotide variant.
Coding change: c.644A>C on transcript NM_015474.4 (MANE Select); coding-DNA position 644, A replaced by C.
Protein change: p.His215Pro; replaces histidine 215 with proline.
Molecular consequence: missense variant.
Genome position (GRCh38, 1-based): chr20:36,927,234, T>G on the plus strand (A>C on the coding strand, the complement: SAMHD1 is on the minus strand). VCF-style: chr20-36927234-T-G. GRCh37 (hg19) VCF-style: chr20-35555637-T-G.
Other names: c.644A>C, p.His215Pro (NM_001363729.2, NM_001363733.2); short protein forms H215P.
Identifiers: ClinVar variation 1393963 (VCV001393963.3), dbSNP rs772029258, ClinGen allele CA9844685.